The following is an entry in ClinVar:

ClinVar aggregate classification (germline): Uncertain significance (1 of 4 stars; one submission).

Submission:

Labcorp Genetics (formerly Invitae), Labcorp
Classification: Uncertain significance. Last evaluated: 2022-10-20. Review status: criteria provided, single submitter. Criteria: Invitae Variant Classification Sherloc (09022015). Collection method: clinical testing. Allele origin: germline.
Comment: Algorithms developed to predict the effect of missense changes on protein structure and function are either unavailable or do not agree on the potential impact of this missense change (SIFT: "Tolerated"; PolyPhen-2: "Probably Damaging"; Align-GVGD: "Class C0"). This variant has not been reported in the literature in individuals affected with FSCN2-related conditions. This variant is not present in population databases (gnomAD no frequency). This sequence change replaces glutamic acid, which is acidic and polar, with aspartic acid, which is acidic and polar, at codon 290 of the FSCN2 protein (p.Glu290Asp). In summary, the available evidence is currently insufficient to determine the role of this variant in disease. Therefore, it has been classified as a Variant of Uncertain Significance.

NM_012418.4(FSCN2):c.870G>T (p.Glu290Asp)

Gene: FSCN2 (fascin actin-bundling protein 2, retinal; plus strand). Cytogenetic location: 17q25.3.
Variant type: single nucleotide variant.
Coding change: c.870G>T on transcript NM_012418.4 (MANE Select); coding-DNA position 870, G replaced by T.
Protein change: p.Glu290Asp; replaces glutamic acid 290 with aspartic acid.
Molecular consequence: missense variant.
Genome position (GRCh38, 1-based): chr17:81,535,095, G>T. VCF-style: chr17-81535095-G-T. GRCh37 (hg19) VCF-style: chr17-79502121-G-T.
Other names: c.870G>T, p.Glu290Asp (NM_001077182.3); short protein forms E290D.
Identifiers: ClinVar variation 2809163 (VCV002809163.3), dbSNP rs1393362973, ClinGen allele CA401475533.